The following is an entry in ClinVar:

ClinVar aggregate classification (germline): Likely benign (0 of 4 stars; one submission).

Conditions:
DLG5-related disorder. Also called: DLG5-related condition.

Allele frequency attached by ClinVar (database versions not stated): ESP Exome Variant Server 0.00008; gnomAD exomes 0.00015; gnomAD 0.00016; TOPMed 0.00018; ExAC 0.00019.
gnomAD v4.1: 262 of 1,611,380 alleles (0.016%); highest among the groups gnomAD compares: Admixed American, 0.025%; 2 homozygotes.

Submission:

PreventionGenetics, part of Exact Sciences
Classification: Likely benign for DLG5-related condition. Last evaluated: 2022-02-17. Review status: no assertion criteria provided. Collection method: clinical testing. Allele origin: germline.
Comment: This variant is classified as likely benign based on ACMG/AMP sequence variant interpretation guidelines (Richards et al. 2015 PMID: 25741868, with internal and published modifications).

NM_004747.4(DLG5):c.389C>T (p.Ala130Val)

Gene: DLG5 (discs large MAGUK scaffold protein 5; minus strand). Cytogenetic location: 10q22.3.
Variant type: single nucleotide variant.
Coding change: c.389C>T on transcript NM_004747.4 (MANE Select); coding-DNA position 389, C replaced by T.
Protein change: p.Ala130Val; replaces alanine 130 with valine.
Molecular consequence: missense variant.
Genome position (GRCh38, 1-based): chr10:77,856,877, G>A on the plus strand (C>T on the coding strand, the complement: DLG5 is on the minus strand). VCF-style: chr10-77856877-G-A. GRCh37 (hg19) VCF-style: chr10-79616635-G-A.
Other names: short protein forms A130V.
Identifiers: ClinVar variation 3054839 (VCV003054839.2), dbSNP rs201454635, ClinGen allele CA5570436.
Genomic context (GRCh38, chr10:77,856,877, plus strand): 5'-GAGAGGTTCTCCACCTTCTCATTCACTTGCTGGTCAGTGAGGAGGGGTGGTGGGGACGGC[G>A]CCTTCCCGGTAGTGCCTGTGGAAGGGGAATAATAAAGTGAACTTGTGTTCATCTGGCATT-3'
Protein context (NP_004738.3, residues 120-140): SLSSVGTTGK[Ala130Val]PSPPPLLTDQ